The following is an entry in ClinVar:

ClinVar aggregate classification (germline): Uncertain significance (1 of 4 stars; one submission).

Conditions:
Benign neonatal seizures. Also called: Benign familial neonatal seizures; Convulsions benign familial neonatal dominant form; Autosomal dominant form of benign neonatal seizures; Benign neonatal familial convulsions; Benign familial neonatal epilepsy. Identifiers: Orphanet 1949, MedGen C0220669, MONDO:0016027.

Submission:

Labcorp Genetics (formerly Invitae), Labcorp
Classification: Uncertain significance for Benign neonatal seizures. Last evaluated: 2025-04-09. Review status: criteria provided, single submitter. Criteria: Invitae Variant Classification Sherloc (09022015). Collection method: clinical testing. Allele origin: germline.
Comment: This sequence change replaces aspartic acid, which is acidic and polar, with alanine, which is neutral and non-polar, at codon 858 of the KCNQ3 protein (p.Asp858Ala). This variant is not present in population databases (gnomAD no frequency). This variant has not been reported in the literature in individuals affected with KCNQ3-related conditions. Invitae Evidence Modeling of protein sequence and biophysical properties (such as structural, functional, and spatial information, amino acid conservation, physicochemical variation, residue mobility, and thermodynamic stability) has been performed for this missense variant. However, the output from this modeling did not meet the statistical confidence thresholds required to predict the impact of this variant on KCNQ3 protein function. In summary, the available evidence is currently insufficient to determine the role of this variant in disease. Therefore, it has been classified as a Variant of Uncertain Significance.

NM_004519.4(KCNQ3):c.2573A>C (p.Asp858Ala)

Gene: KCNQ3 (potassium voltage-gated channel subfamily Q member 3; minus strand). Cytogenetic location: 8q24.22.
Variant type: single nucleotide variant.
Coding change: c.2573A>C on transcript NM_004519.4 (MANE Select); coding-DNA position 2573, A replaced by C.
Protein change: p.Asp858Ala; replaces aspartic acid 858 with alanine.
Molecular consequence: missense variant.
Genome position (GRCh38, 1-based): chr8:132,129,308, T>G on the plus strand (A>C on the coding strand, the complement: KCNQ3 is on the minus strand). VCF-style: chr8-132129308-T-G. GRCh37 (hg19) VCF-style: chr8-133141555-T-G.
Other names: c.2213A>C, p.Asp738Ala (NM_001204824.2); short protein forms D858A, D738A.
Identifiers: ClinVar variation 4720789 (VCV004720789.1).